The following is an entry in ClinVar:

NM_001792.5(CDH2):c.1976-2A>T

Gene: CDH2 (cadherin 2; minus strand). Cytogenetic location: 18q12.1.
Variant type: single nucleotide variant.
Coding change: c.1976-2A>T on transcript NM_001792.5 (MANE Select); the canonical splice acceptor site of the intron before coding-DNA position 1976, A replaced by T.
Molecular consequence: splice acceptor variant.
Genome position (GRCh38, 1-based): chr18:27,985,235, T>A on the plus strand (A>T on the coding strand, the complement: CDH2 is on the minus strand). VCF-style: chr18-27985235-T-A. GRCh37 (hg19) VCF-style: chr18-25565199-T-A.
Other names: c.1883-2A>T (NM_001308176.2).
Identifiers: ClinVar variation 1804376 (VCV001804376.1), dbSNP rs2510792614, ClinGen allele CA402107144.

ClinVar aggregate classification (germline): Uncertain significance (1 of 4 stars; one submission).

Submission:

GeneDx
Classification: Uncertain significance. Last evaluated: 2022-06-14. Review status: criteria provided, single submitter. Criteria: GeneDx Variant Classification Process June 2021. Collection method: clinical testing. Allele origin: germline. Affected: yes.
Comment: Not observed at significant frequency in large population cohorts (gnomAD); Canonical splice site variant in a gene or region of a gene for which loss of function is not a well-established mechanism of disease; Has not been previously published as pathogenic or benign to our knowledge